The following is an entry in ClinVar:

ClinVar aggregate classification (germline): Uncertain significance (1 of 4 stars; one submission).

Submission:

Labcorp Genetics (formerly Invitae), Labcorp
Classification: Uncertain significance. Last evaluated: 2024-03-04. Review status: criteria provided, single submitter. Criteria: Invitae Variant Classification Sherloc (09022015). Collection method: clinical testing. Allele origin: germline.
Comment: This sequence change replaces proline, which is neutral and non-polar, with arginine, which is basic and polar, at codon 624 of the ERBIN protein (p.Pro624Arg). This variant is not present in population databases (gnomAD no frequency). This variant has not been reported in the literature in individuals affected with ERBIN-related conditions. An algorithm developed to predict the effect of missense changes on protein structure and function (PolyPhen-2) suggests that this variant is likely to be disruptive. In summary, the available evidence is currently insufficient to determine the role of this variant in disease. Therefore, it has been classified as a Variant of Uncertain Significance.

NM_001253697.2(ERBIN):c.1871C>G (p.Pro624Arg)

Gene: ERBIN (erbb2 interacting protein; plus strand). Cytogenetic location: 5q12.3.
Variant type: single nucleotide variant.
Coding change: c.1871C>G on transcript NM_001253697.2 (MANE Select); coding-DNA position 1871, C replaced by G.
Protein change: p.Pro624Arg; replaces proline 624 with arginine.
Molecular consequence: missense variant.
Genome position (GRCh38, 1-based): chr5:66,048,749, C>G. VCF-style: chr5-66048749-C-G. GRCh37 (hg19) VCF-style: chr5-65344577-C-G.
Other names: c.1871C>G, p.Pro624Arg (NM_001006600.3, NM_001253698.2, NM_001253699.2 and 1 more transcripts); c.1859C>G, p.Pro620Arg (NM_001253701.2); short protein forms P624R, P620R.
Identifiers: ClinVar variation 3644505 (VCV003644505.2).